The following is an entry in ClinVar:

NM_001868.4(CPA1):c.158G>C (p.Trp53Ser)

Gene: CPA1 (carboxypeptidase A1; plus strand). Cytogenetic location: 7q32.2.
Variant type: single nucleotide variant.
Coding change: c.158G>C on transcript NM_001868.4 (MANE Select); coding-DNA position 158, G replaced by C.
Protein change: p.Trp53Ser; replaces tryptophan 53 with serine.
Molecular consequence: missense variant.
Genome position (GRCh38, 1-based): chr7:130,381,640, G>C. VCF-style: chr7-130381640-G-C. GRCh37 (hg19) VCF-style: chr7-130021481-G-C.
Other names: short protein forms W53S.
Identifiers: ClinVar variation 1775889 (VCV001775889.3), dbSNP rs2536004950, ClinGen allele CA369279532.
Genomic context (GRCh38, chr7:130,381,640, plus strand): 5'-GGCTGGTGCCCCCAGCCCGCTGTGACCGTGCCGGCTCTTGTCCTCCCCAGCTGGACTTCT[G>C]GCGGGGGCCTGCCCACCCTGGCTCCCCCATCGACGTCCGAGTGCCCTTCCCCAGCATCCA-3'
Protein context (NP_001859.1, residues 43-63): EDLEHLQLDF[Trp53Ser]RGPAHPGSPI

ClinVar aggregate classification (germline): Uncertain significance (1 of 4 stars; one submission).

Conditions:
Hereditary pancreatitis (PCTT). Also called: Hereditary chronic pancreatitis; PRSS1-Related Hereditary Pancreatitis. Identifiers: Orphanet 676, MedGen C0238339, MONDO:0008185, OMIM 167800.

Submission:

Ambry Genetics
Classification: Uncertain significance for Hereditary pancreatitis. Last evaluated: 2025-04-18. Review status: criteria provided, single submitter. Criteria: Ambry Variant Classification Scheme 2023. Collection method: clinical testing. Allele origin: germline.
Comment: The p.W53S variant (also known as c.158G>C), located in coding exon 3 of the CPA1 gene, results from a G to C substitution at nucleotide position 158. The tryptophan at codon 53 is replaced by serine, an amino acid with highly dissimilar properties. This amino acid position is conserved. In addition, this alteration is predicted to be deleterious by in silico analysis. Since supporting evidence is limited at this time, the clinical significance of this alteration remains unclear.